The following is an entry in ClinVar:

NM_013275.6(ANKRD11):c.6892C>G (p.Arg2298Gly)

Gene: ANKRD11 (ankyrin repeat domain 11; minus strand). Cytogenetic location: 16q24.3.
Variant type: single nucleotide variant.
Coding change: c.6892C>G on transcript NM_013275.6 (MANE Select); coding-DNA position 6892, C replaced by G.
Protein change: p.Arg2298Gly; replaces arginine 2298 with glycine.
Molecular consequence: missense variant.
Genome position (GRCh38, 1-based): chr16:89,279,650, G>C on the plus strand (C>G on the coding strand, the complement: ANKRD11 is on the minus strand). VCF-style: chr16-89279650-G-C. GRCh37 (hg19) VCF-style: chr16-89346058-G-C.
Other names: c.6892C>G, p.Arg2298Gly (NM_001256182.2, NM_001256183.2); short protein forms R2298G.
Identifiers: ClinVar variation 4700366 (VCV004700366.1).
Genomic context (GRCh38, chr16:89,279,650, plus strand): 5'-TTGGTTCTGCGGCTTCCGGCTGGATGCCGCCAGGAGGGCCTTCGGCTGGGGCGGCGGCAC[G>C]GGAGGCCTCAGTGTCGTCCTCGGGGCCGGCACCGTCTGCGGCCTGAGCTTGTGCCACAGT-3'
Protein context (NP_037407.4, residues 2288-2308): AGPEDDTEAS[Arg2298Gly]AAAPAEGPPG

ClinVar aggregate classification (germline): Uncertain significance (1 of 4 stars; one submission).

Conditions:
KBG syndrome (KBGS). Also called: ANKRD11-Related KBG Syndrome. Identifiers: Orphanet 2332, MedGen C0220687, MONDO:0007846, OMIM 148050.

gnomAD v4.1: 3 of 1,441,002 alleles (0.00021%); highest among the groups gnomAD compares: Non-Finnish European, 0.00018%; no homozygotes.

Submission:

Labcorp Genetics (formerly Invitae), Labcorp
Classification: Uncertain significance for KBG syndrome. Last evaluated: 2025-10-02. Review status: criteria provided, single submitter. Criteria: Invitae Variant Classification Sherloc (09022015). Collection method: clinical testing. Allele origin: germline.
Comment: This sequence change replaces arginine, which is basic and polar, with glycine, which is neutral and non-polar, at codon 2298 of the ANKRD11 protein (p.Arg2298Gly). This variant is not present in population databases (gnomAD no frequency). This variant has not been reported in the literature in individuals affected with ANKRD11-related conditions. Invitae Evidence Modeling of protein sequence and biophysical properties (such as structural, functional, and spatial information, amino acid conservation, physicochemical variation, residue mobility, and thermodynamic stability) indicates that this missense variant is not expected to disrupt ANKRD11 protein function with a negative predictive value of 95%. In summary, the available evidence is currently insufficient to determine the role of this variant in disease. Therefore, it has been classified as a Variant of Uncertain Significance.